The following is an entry in ClinVar:

NM_183050.4(BCKDHB):c.634-2A>G

Gene: BCKDHB (branched chain keto acid dehydrogenase E1 subunit beta; plus strand). Cytogenetic location: 6q14.1.
Variant type: single nucleotide variant.
Coding change: c.634-2A>G on transcript NM_183050.4 (MANE Select); the canonical splice acceptor site of the intron before coding-DNA position 634, A replaced by G.
Molecular consequence: splice acceptor variant.
Genome position (GRCh38, 1-based): chr6:80,171,280, A>G. VCF-style: chr6-80171280-A-G. GRCh37 (hg19) VCF-style: chr6-80880997-A-G.
Other names: c.424-2A>G (NM_001318975.1, NM_001424043.1); c.634-2A>G (NM_001424037.1, NM_001424036.1, NM_001424035.1 and 7 more transcripts).
Identifiers: ClinVar variation 2680137 (VCV002680137.7), dbSNP rs1295567170, ClinGen allele CA364658466.

ClinVar aggregate classification (germline): Likely pathogenic. Review status: criteria provided, multiple submitters, no conflicts (2 of 4 stars). 2 submissions from 2 submitters: Likely pathogenic (2). Last evaluated 2026-03-17.

Conditions:
Maple syrup urine disease (MSUD). Identifiers: Orphanet 511, MedGen C0024776, MeSH D008375, MONDO:0009563. Disease mechanism: loss of function.

Allele frequency attached by ClinVar (database versions not stated): TOPMed below 0.00001; gnomAD 0.00002.
gnomAD v4.1: 7 of 1,593,058 alleles (0.00044%); highest among the groups gnomAD compares: African/African-American, 0.004%; no homozygotes.

Submissions (2):

Women's Health and Genetics/Laboratory Corporation of America, LabCorp
Classification: Likely pathogenic for Maple syrup urine disease. Last evaluated: 2026-03-17. Review status: criteria provided, single submitter. Criteria: LabCorp Variant Classification Summary - May 2015. Collection method: clinical testing. Allele origin: germline.
Comment: Variant summary: BCKDHB c.634-2A>G is located in a canonical splice-site and is predicted to affect mRNA splicing resulting in a significantly altered protein due to either exon skipping, shortening, or inclusion of intronic material. Variants that disrupt the consensus splice site are a relatively common cause of aberrant splicing and loss of BCKDHB function. Several computational tools predict a significant impact on normal splicing: Four predict the variant abolishes a 3' acceptor site. However, these predictions have yet to be confirmed by functional studies. The variant allele was found at a frequency of 4e-06 in 248730 control chromosomes. To our knowledge, no occurrence of c.634-2A>G in individuals affected with BCKDHB-related conditions and no experimental evidence demonstrating its impact on protein function have been reported. ClinVar contains an entry for this variant (Variation ID: 2680137). Based on the evidence outlined above, the variant was classified as likely pathogenic.

Labcorp Genetics (formerly Invitae), Labcorp
Classification: Likely pathogenic for Maple syrup urine disease. Last evaluated: 2023-11-07. Review status: criteria provided, single submitter. Criteria: Invitae Variant Classification Sherloc (09022015). Collection method: clinical testing. Allele origin: germline.
Comment: This sequence change affects an acceptor splice site in intron 5 of the BCKDHB gene. It is expected to disrupt RNA splicing. Variants that disrupt the donor or acceptor splice site typically lead to a loss of protein function (PMID: 16199547), and loss-of-function variants in BCKDHB are known to be pathogenic (PMID: 16786533, 22593002). This variant is present in population databases (no rsID available, gnomAD 0.0009%). This variant has not been reported in the literature in individuals affected with BCKDHB-related conditions. Algorithms developed to predict the effect of sequence changes on RNA splicing suggest that this variant may disrupt the consensus splice site. In summary, the currently available evidence indicates that the variant is pathogenic, but additional data are needed to prove that conclusively. Therefore, this variant has been classified as Likely Pathogenic.

Literature cited by the submitters: PubMed 16199547 (cited by Labcorp Genetics (formerly Invitae), Labcorp); PubMed 16786533 (cited by Labcorp Genetics (formerly Invitae), Labcorp); PubMed 22593002 (cited by Labcorp Genetics (formerly Invitae), Labcorp).